The following is an entry in ClinVar:

NM_012310.5(KIF4A):c.73A>G (p.Ser25Gly)

Gene: KIF4A (kinesin family member 4A; plus strand). Cytogenetic location: Xq13.1.
Variant type: single nucleotide variant.
Coding change: c.73A>G on transcript NM_012310.5 (MANE Select); coding-DNA position 73, A replaced by G.
Protein change: p.Ser25Gly; replaces serine 25 with glycine.
Molecular consequence: missense variant.
Genome position (GRCh38, 1-based): chrX:70,290,531, A>G. VCF-style: chrX-70290531-A-G. GRCh37 (hg19) VCF-style: chrX-69510381-A-G.
Other names: short protein forms S25G.
Identifiers: ClinVar variation 3373366 (VCV003373366.2).
Genomic context (GRCh38, chrX:70,290,531, plus strand): 5'-GTGAAGGGAATTCCCGTAAGAGTGGCGCTGCGTTGTCGCCCTCTGGTCCCCAAAGAGATT[A>G]GCGAGGGCTGCCAGATGTGCCTTTCCTTCGTGCCCGGAGAGCCTCAGGTGCGTAGCAGAG-3'
Protein context (NP_036442.3, residues 15-35): RCRPLVPKEI[Ser25Gly]EGCQMCLSFV

ClinVar aggregate classification (germline): Uncertain significance (1 of 4 stars; one submission).

gnomAD v4.1: 1 of 1,211,970 alleles (0.000083%); highest among the groups gnomAD compares: African/African-American, 0.0017%; no homozygotes.

Submission:

GeneDx
Classification: Uncertain significance. Last evaluated: 2025-12-10. Review status: criteria provided, single submitter. Criteria: GeneDx Variant Classification Process June 2021. Collection method: clinical testing. Allele origin: germline. Affected: yes.
Comment: Not observed at significant frequency in large population cohorts (gnomAD); In silico analysis suggests that this missense variant does not alter protein structure/function; Has not been previously published as pathogenic or benign to our knowledge